The following is an entry in ClinVar:

ClinVar aggregate classification (germline): Uncertain significance. Review status: criteria provided, multiple submitters, no conflicts (2 of 4 stars). 3 submissions from 3 submitters: Uncertain significance (3). Last evaluated 2026-08-17.

Conditions:
Hereditary cancer-predisposing syndrome. Also called: Neoplastic Syndromes, Hereditary; Hereditary neoplastic syndrome; Hereditary Cancer Syndrome; Tumor predisposition. Identifiers: Orphanet 140162, MedGen C0027672, MeSH D009386, MONDO:0015356.
Familial adenomatous polyposis 1 (FAP1). Also called: POLYPOSIS, ADENOMATOUS INTESTINAL; FAMILIAL ADENOMATOUS POLYPOSIS 1, ATTENUATED. Identifiers: MedGen C2713442, MONDO:0021056, OMIM 175100. Disease mechanism: loss of function.

Allele frequency attached by ClinVar (database versions not stated): gnomAD exomes below 0.00001.
gnomAD v4.1: 3 of 1,613,612 alleles (0.00019%); highest among the groups gnomAD compares: Non-Finnish European, 0.00025%; no homozygotes.

Submissions (3):

Ambry Genetics
Classification: Uncertain significance for Hereditary cancer-predisposing syndrome. Last evaluated: 2026-08-17. Review status: criteria provided, single submitter. Criteria: Ambry Variant Classification Scheme 2023. Collection method: clinical testing. Allele origin: germline.
Comment: The p.Q2646E variant (also known as c.7936C>G), located in coding exon 15 of the APC gene, results from a C to G substitution at nucleotide position 7936. The glutamine at codon 2646 is replaced by glutamic acid, an amino acid with highly similar properties. This amino acid position is well conserved in available vertebrate species. In addition, in silico predictors for this gene do not accurately predict pathogenicity. Missense variants in APC are not a common cause of disease (Spier I et al. Genet Med. 2024 Feb;26(2):100992). Based on the available evidence, the clinical significance of this variant remains unclear.

Color Diagnostics, LLC DBA Color Health
Classification: Uncertain significance for Hereditary cancer-predisposing syndrome. Last evaluated: 2019-05-30. Review status: criteria provided, single submitter. Criteria: ACMG Guidelines, 2015. Collection method: clinical testing. Allele origin: germline.

Labcorp Genetics (formerly Invitae), Labcorp
Classification: Uncertain significance for Familial adenomatous polyposis 1. Last evaluated: 2017-06-07. Review status: criteria provided, single submitter. Criteria: Invitae Variant Classification Sherloc (09022015). Collection method: clinical testing. Allele origin: germline.
Comment: This variant is not present in population databases (ExAC no frequency). This sequence change replaces glutamine with glutamic acid at codon 2646 of the APC protein (p.Gln2646Glu). The glutamine residue is highly conserved and there is a small physicochemical difference between glutamine and glutamic acid. This variant has not been reported in the literature in individuals with a APC-related disease. Algorithms developed to predict the effect of missense changes on protein structure and function do not agree on the potential impact of this missense change (SIFT: "Deleterious"; PolyPhen-2: "Probably Damaging"; Align-GVGD: "Class C0"). In summary, this variant has uncertain impact on APC function. The available evidence is currently insufficient to determine its role in disease. Therefore, it has been classified as a Variant of Uncertain Significance.

NM_000038.6(APC):c.7936C>G (p.Gln2646Glu)

Gene: APC (APC regulator of Wnt signaling pathway; plus strand). Cytogenetic location: 5q22.2.
Variant type: single nucleotide variant.
Coding change: c.7936C>G on transcript NM_000038.6 (MANE Select); coding-DNA position 7936, C replaced by G.
Protein change: p.Gln2646Glu; replaces glutamine 2646 with glutamic acid.
Molecular consequence: missense variant.
Genome position (GRCh38, 1-based): chr5:112,843,530, C>G. VCF-style: chr5-112843530-C-G. GRCh37 (hg19) VCF-style: chr5-112179227-C-G.
Other names: c.7936C>G, p.Gln2646Glu (NM_001127510.3, NM_001354895.2); c.7882C>G, p.Gln2628Glu (NM_001127511.3); c.7990C>G, p.Gln2664Glu (NM_001354896.2); c.7966C>G, p.Gln2656Glu (NM_001354897.2); c.7663C>G, p.Gln2555Glu (NM_001354902.2); c.7861C>G, p.Gln2621Glu (NM_001354898.2); c.7633C>G, p.Gln2545Glu (NM_001354903.2); c.7558C>G, p.Gln2520Glu (NM_001354904.2); and 5 more; short protein forms Q2646E, Q2628E, Q2520E, Q2545E, Q2656E, Q2486E, Q2618E, Q2664E.
Identifiers: ClinVar variation 470117 (VCV000470117.13), dbSNP rs1554088768, ClinGen allele CA16038564.